The following is an entry in ClinVar:

ClinVar aggregate classification (germline): Pathogenic (1 of 4 stars; one submission).

Submission:

Labcorp Genetics (formerly Invitae), Labcorp
Classification: Pathogenic. Last evaluated: 2023-06-19. Review status: criteria provided, single submitter. Criteria: Invitae Variant Classification Sherloc (09022015). Collection method: clinical testing. Allele origin: germline.
Comment: This variant is not present in population databases (gnomAD no frequency). This sequence change creates a premature translational stop signal (p.Arg25Glyfs*17) in the NR2E3 gene. It is expected to result in an absent or disrupted protein product. Loss-of-function variants in NR2E3 are known to be pathogenic (PMID: 15459973, 27522502). This variant has not been reported in the literature in individuals affected with NR2E3-related conditions. For these reasons, this variant has been classified as Pathogenic.

Literature cited by the submitters: PubMed 15459973; PubMed 27522502.

NM_014249.4(NR2E3):c.72del (p.Arg25fs)

Gene: NR2E3 (nuclear receptor subfamily 2 group E member 3; plus strand). Cytogenetic location: 15q23.
Variant type: Deletion.
Coding change: c.72del on transcript NM_014249.4 (MANE Select); coding-DNA position 72, one base deleted (C; older notation c.72delC).
Protein change: p.Arg25fs; shifts the reading frame from arginine 25.
Molecular consequence: frameshift variant.
Genome position (GRCh38, 1-based): chr15:71,810,815, C deleted; the last of 2 consecutive C bases (chr15:71,810,814-71,810,815); deleting either gives the same sequence. VCF-style (leftmost placement, unchanged base first): chr15-71810813-TC-T. GRCh37 (hg19) VCF-style: chr15-72103153-TC-T.
Other names: c.72del, p.Arg25fs (NM_016346.4); short protein forms R25fs.
Identifiers: ClinVar variation 2719283 (VCV002719283.3), dbSNP rs2543252133, ClinGen allele CA2697549188.